The following is an entry in ClinVar:

NM_002226.5(JAG2):c.3424G>A (p.Gly1142Arg)

Gene: JAG2 (jagged canonical Notch ligand 2; minus strand). Cytogenetic location: 14q32.33.
Variant type: single nucleotide variant.
Coding change: c.3424G>A on transcript NM_002226.5 (MANE Select); coding-DNA position 3424, G replaced by A.
Protein change: p.Gly1142Arg; replaces glycine 1142 with arginine.
Molecular consequence: missense variant.
Genome position (GRCh38, 1-based): chr14:105,142,988, C>T on the plus strand (G>A on the coding strand, the complement: JAG2 is on the minus strand). VCF-style: chr14-105142988-C-T. GRCh37 (hg19) VCF-style: chr14-105609325-C-T.
Other names: p.Gly1142Arg; c.3310G>A, p.Gly1104Arg (NM_145159.3); short protein forms G1104R, G1142R.
Identifiers: ClinVar variation 3034021 (VCV003034021.11), dbSNP rs146037139, ClinGen allele CA7385206.
Genomic context (GRCh38, chr14:105,142,988, plus strand): 5'-CCGCCCTGCGCGGCGGCGGCGTGAAGTTCTTGCACTGGTAGAGCACGTCCTTGTGGCCCC[C>T]CGGCCGCTCAATGGGGTTGCGGATGGGGTTGAGCGGGGCCCACTGGTTGTTGGCGCTCTC-3'
Protein context (NP_002217.3, residues 1132-1152): NPIRNPIERP[Gly1142Arg]GHKDVLYQCK

ClinVar aggregate classification (germline): Benign/Likely benign. Review status: criteria provided, multiple submitters, no conflicts (2 of 4 stars). 3 submissions from 3 submitters: Benign (1); Likely benign (1). 1 of the submissions does not count toward it. Last evaluated 2026-09-01.

Conditions:
JAG2-related disorder. Also called: JAG2-related condition.

Allele frequency attached by ClinVar (database versions not stated): 1000 Genomes Project 0.00140; 1000 Genomes Project 30x 0.00172; ESP Exome Variant Server 0.00257; ExAC 0.00296; gnomAD 0.00331; TOPMed 0.00345; gnomAD exomes 0.00475.
gnomAD v4.1: 7,348 of 1,609,564 alleles (0.46%); highest among the groups gnomAD compares: Non-Finnish European, 0.56%; 22 homozygotes.

Submissions (3):

CeGaT Center for Human Genetics Tuebingen
Classification: Likely benign. Last evaluated: 2026-09-01. Review status: criteria provided, single submitter. Criteria: CeGaT Center For Human Genetics Tuebingen Variant Classification Criteria Version 2. Collection method: clinical testing. Allele origin: germline. Affected: yes. Observed: 8 variant alleles.
Comment: JAG2: BS2

Mayo Clinic Laboratories, Mayo Clinic
Classification: Benign. Last evaluated: 2023-03-30. Review status: criteria provided, single submitter. Criteria: ACMG Guidelines, 2015. Collection method: clinical testing. Allele origin: germline. Observed: 8 variant alleles.
Comment: BS1, BS2

PreventionGenetics, part of Exact Sciences
Classification: Likely benign for JAG2-related condition. Last evaluated: 2019-09-25. Review status: no assertion criteria provided. Collection method: clinical testing. Allele origin: germline. Not counted in ClinVar's aggregate classification.
Comment: This variant is classified as likely benign based on ACMG/AMP sequence variant interpretation guidelines (Richards et al. 2015 PMID: 25741868, with internal and published modifications).